The following is an entry in ClinVar:

ClinVar aggregate classification (germline): Likely benign (1 of 4 stars; one submission).

gnomAD v4.1: 26 of 1,613,810 alleles (0.0016%); highest among the groups gnomAD compares: South Asian, 0.0022%; no homozygotes.

Submission:

CeGaT Center for Human Genetics Tuebingen
Classification: Likely benign. Last evaluated: 2026-09-01. Review status: criteria provided, single submitter. Criteria: CeGaT Center For Human Genetics Tuebingen Variant Classification Criteria Version 2. Collection method: clinical testing. Allele origin: germline. Affected: yes. Observed: 1 variant allele.
Comment: SYNE2: BP4

NM_182914.3(SYNE2):c.14824C>T (p.Leu4942Phe)

Gene: SYNE2 (spectrin repeat containing nuclear envelope protein 2; plus strand). Cytogenetic location: 14q23.2.
Variant type: single nucleotide variant.
Coding change: c.14824C>T on transcript NM_182914.3 (MANE Select); coding-DNA position 14824, C replaced by T.
Protein change: p.Leu4942Phe; replaces leucine 4942 with phenylalanine.
Molecular consequence: missense variant.
Genome position (GRCh38, 1-based): chr14:64,137,964, C>T. VCF-style: chr14-64137964-C-T. GRCh37 (hg19) VCF-style: chr14-64604682-C-T.
Other names: c.14824C>T, p.Leu4942Phe (NM_015180.6); short protein forms L4942F.
Identifiers: ClinVar variation 5041201 (VCV005041201.1).
Genomic context (GRCh38, chr14:64,137,964, plus strand): 5'-GAAGAGCAGTGGTTGTCCCTGAACAAGAAAATTGACCATGAGCTCCACAGGCTGCAAGCT[C>T]TTCTCAAGCATCTGCTCAGGTCAGCCTTTTTGGGGGTGGATTGGCTTCATATTGTGCTGT-3'
Protein context (NP_878918.2, residues 4932-4952): IDHELHRLQA[Leu4942Phe]LKHLLSYNRD